The following is an entry in ClinVar:

NM_003072.5(SMARCA4):c.628A>T (p.Met210Leu)

Gene: SMARCA4 (SWI/SNF related BAF chromatin remodeling complex subunit ATPase 4; plus strand). Cytogenetic location: 19p13.2.
Variant type: single nucleotide variant.
Coding change: c.628A>T on transcript NM_003072.5 (MANE Select); coding-DNA position 628, A replaced by T.
Protein change: p.Met210Leu; replaces methionine 210 with leucine.
Molecular consequence: missense variant. On other transcripts: non-coding transcript variant (1).
Genome position (GRCh38, 1-based): chr19:10,986,461, A>T. VCF-style: chr19-10986461-A-T. GRCh37 (hg19) VCF-style: chr19-11097137-A-T.
Other names: c.628A>T, p.Met210Leu (NM_001128844.3, NM_001128845.2, NM_001128846.2 and 6 more transcripts); short protein forms M210L.
Identifiers: ClinVar variation 2587136 (VCV002587136.6), dbSNP rs2086042007, ClinGen allele CA404056650.
Genomic context (GRCh38, chr19:10,986,461, plus strand): 5'-CTGGCCAGGGGGCAGCCCCTCCCCGACCACCTGCAGATGGCGGTGCAGGGCAAGCGGCCG[A>T]TGCCCGGGATGCAGCAGCAGATGCCAACGCTACCTCCACCCTCGGTGTCCGCAACAGGAC-3'
Protein context (NP_003063.2, residues 200-220): LQMAVQGKRP[Met210Leu]PGMQQQMPTL

ClinVar aggregate classification (germline): Uncertain significance. Review status: criteria provided, multiple submitters, no conflicts (2 of 4 stars). 2 submissions from 2 submitters: Uncertain significance (2). Last evaluated 2025-07-22.

Conditions:
Hereditary cancer-predisposing syndrome. Also called: Tumor predisposition; Hereditary Cancer Syndrome; Hereditary neoplastic syndrome; Neoplastic Syndromes, Hereditary. Identifiers: Orphanet 140162, MedGen C0027672, MeSH D009386, MONDO:0015356.
Rhabdoid tumor predisposition syndrome 2 (RTPS2). Identifiers: Orphanet 231108, Orphanet 69077, MedGen C2750074, MONDO:0013224, OMIM 613325.

Submissions (2):

Ambry Genetics
Classification: Uncertain significance for Hereditary cancer-predisposing syndrome. Last evaluated: 2025-07-22. Review status: criteria provided, single submitter. Criteria: Ambry Variant Classification Scheme 2023. Collection method: clinical testing. Allele origin: germline.
Comment: The p.M210L variant (also known as c.628A>T), located in coding exon 3 of the SMARCA4 gene, results from an A to T substitution at nucleotide position 628. The methionine at codon 210 is replaced by leucine, an amino acid with highly similar properties. This amino acid position is well conserved in available vertebrate species. In addition, the in silico prediction for this alteration is inconclusive. Missense and in-frame variants in SMARCA4 are known to cause neurodevelopmental disorders; however, such associations with rhabdoid tumor predisposition syndrome including small cell carcinoma of the ovary-hypercalcemic type (SCCOHT) are exceedingly rare (Kosho T et al. Am J Med Genet C Semin Med Genet. 2014 Sep;166C(3):262-75; Jelinic P et al. Nat Genet. 2014 May;46(5):424-6). Based on the supporting evidence, the association of this alteration with Coffin-Siris syndrome is unknown; however, the association of this alteration with rhabdoid tumor predisposition syndrome is unlikely.

Labcorp Genetics (formerly Invitae), Labcorp
Classification: Uncertain significance for Rhabdoid tumor predisposition syndrome 2. Last evaluated: 2023-03-20. Review status: criteria provided, single submitter. Criteria: Invitae Variant Classification Sherloc (09022015). Collection method: clinical testing. Allele origin: germline.
Comment: This sequence change replaces methionine, which is neutral and non-polar, with leucine, which is neutral and non-polar, at codon 210 of the SMARCA4 protein (p.Met210Leu). This variant is not present in population databases (gnomAD no frequency). This variant has not been reported in the literature in individuals affected with SMARCA4-related conditions. Advanced modeling of protein sequence and biophysical properties (such as structural, functional, and spatial information, amino acid conservation, physicochemical variation, residue mobility, and thermodynamic stability) performed at Invitae indicates that this missense variant is not expected to disrupt SMARCA4 protein function. In summary, the available evidence is currently insufficient to determine the role of this variant in disease. Therefore, it has been classified as a Variant of Uncertain Significance.